The following is an entry in ClinVar:

NM_032656.4(DHX37):c.2504G>A (p.Arg835Gln)

Gene: DHX37 (DEAH-box helicase 37; minus strand). Cytogenetic location: 12q24.31.
Variant type: single nucleotide variant.
Coding change: c.2504G>A on transcript NM_032656.4 (MANE Select); coding-DNA position 2504, G replaced by A.
Protein change: p.Arg835Gln; replaces arginine 835 with glutamine.
Molecular consequence: missense variant.
Genome position (GRCh38, 1-based): chr12:124,954,161, C>T on the plus strand (G>A on the coding strand, the complement: DHX37 is on the minus strand). VCF-style: chr12-124954161-C-T. GRCh37 (hg19) VCF-style: chr12-125438707-C-T.
Other names: short protein forms R835Q.
Identifiers: ClinVar variation 2643578 (VCV002643578.25), dbSNP rs142687812, ClinGen allele CA6871610.

ClinVar aggregate classification (germline): Uncertain significance. Review status: criteria provided, multiple submitters, no conflicts (2 of 4 stars). 2 submissions from 2 submitters: Uncertain significance (2). Last evaluated 2025-03-07.

Allele frequency attached by ClinVar (database versions not stated): ESP Exome Variant Server 0.00008; gnomAD 0.00002; TOPMed 0.00003; ExAC 0.00004.
gnomAD v4.1: 50 of 1,612,072 alleles (0.0031%); highest among the groups gnomAD compares: Admixed American, 0.015%; no homozygotes.

Submissions (2):

Labcorp Genetics (formerly Invitae), Labcorp
Classification: Uncertain significance. Last evaluated: 2025-03-07. Review status: criteria provided, single submitter. Criteria: Invitae Variant Classification Sherloc (09022015). Collection method: clinical testing. Allele origin: germline.
Comment: This sequence change replaces arginine, which is basic and polar, with glutamine, which is neutral and polar, at codon 835 of the DHX37 protein (p.Arg835Gln). This variant is present in population databases (rs142687812, gnomAD 0.02%). This variant has not been reported in the literature in individuals affected with DHX37-related conditions. ClinVar contains an entry for this variant (Variation ID: 2643578). Invitae Evidence Modeling of protein sequence and biophysical properties (such as structural, functional, and spatial information, amino acid conservation, physicochemical variation, residue mobility, and thermodynamic stability) indicates that this missense variant is not expected to disrupt DHX37 protein function with a negative predictive value of 80%. In summary, the available evidence is currently insufficient to determine the role of this variant in disease. Therefore, it has been classified as a Variant of Uncertain Significance.

CeGaT Center for Human Genetics Tuebingen
Classification: Uncertain significance. Last evaluated: 2023-05-01. Review status: criteria provided, single submitter. Criteria: CeGaT Center For Human Genetics Tuebingen Variant Classification Criteria Version 2. Collection method: clinical testing. Allele origin: germline. Affected: yes. Observed: 1 variant allele.
Comment: DHX37: PM2, BP4